The following is an entry in ClinVar:

ClinVar aggregate classification (germline): Uncertain significance (1 of 4 stars; one submission).

Submission:

GeneDx
Classification: Uncertain significance. Last evaluated: 2026-04-17. Review status: criteria provided, single submitter. Criteria: GeneDx Variant Classification Process June 2021. Collection method: clinical testing. Allele origin: germline.
Comment: Not observed at significant frequency in large population cohorts (gnomAD); In silico analysis suggests that this missense variant does not alter protein structure/function; Has not been previously published as pathogenic or benign to our knowledge

NM_032217.5(ANKRD17):c.997A>T (p.Thr333Ser)

Gene: ANKRD17 (ankyrin repeat domain 17; minus strand). Cytogenetic location: 4q13.3.
Variant type: single nucleotide variant.
Coding change: c.997A>T on transcript NM_032217.5 (MANE Select); coding-DNA position 997, A replaced by T.
Protein change: p.Thr333Ser; replaces threonine 333 with serine.
Molecular consequence: missense variant.
Genome position (GRCh38, 1-based): chr4:73,155,634, T>A on the plus strand (A>T on the coding strand, the complement: ANKRD17 is on the minus strand). VCF-style: chr4-73155634-T-A. GRCh37 (hg19) VCF-style: chr4-74021351-T-A.
Other names: c.658A>T, p.Thr220Ser (NM_001286771.3); c.997A>T, p.Thr333Ser (NM_015574.2, NM_198889.3); short protein forms T220S, T333S.
Identifiers: ClinVar variation 5037358 (VCV005037358.1).